The following is an entry in ClinVar:

ClinVar aggregate classification (germline): Uncertain significance (1 of 4 stars; one submission).

Conditions:
KBG syndrome (KBGS). Also called: ANKRD11-Related KBG Syndrome. Identifiers: Orphanet 2332, MedGen C0220687, MONDO:0007846, OMIM 148050.

Submission:

Labcorp Genetics (formerly Invitae), Labcorp
Classification: Uncertain significance for KBG syndrome. Last evaluated: 2022-07-18. Review status: criteria provided, single submitter. Criteria: Invitae Variant Classification Sherloc (09022015). Collection method: clinical testing. Allele origin: germline.
Comment: In summary, the available evidence is currently insufficient to determine the role of this variant in disease. Therefore, it has been classified as a Variant of Uncertain Significance. Advanced modeling of protein sequence and biophysical properties (such as structural, functional, and spatial information, amino acid conservation, physicochemical variation, residue mobility, and thermodynamic stability) performed at Invitae indicates that this missense variant is expected to disrupt ANKRD11 protein function. This variant has not been reported in the literature in individuals affected with ANKRD11-related conditions. This variant is not present in population databases (gnomAD no frequency). This sequence change replaces glycine, which is neutral and non-polar, with alanine, which is neutral and non-polar, at codon 626 of the ANKRD11 protein (p.Gly626Ala).

NM_013275.6(ANKRD11):c.1877G>C (p.Gly626Ala)

Gene: ANKRD11 (ankyrin repeat domain 11; minus strand). Cytogenetic location: 16q24.3.
Variant type: single nucleotide variant.
Coding change: c.1877G>C on transcript NM_013275.6 (MANE Select); coding-DNA position 1877, G replaced by C.
Protein change: p.Gly626Ala; replaces glycine 626 with alanine.
Molecular consequence: missense variant.
Genome position (GRCh38, 1-based): chr16:89,284,665, C>G on the plus strand (G>C on the coding strand, the complement: ANKRD11 is on the minus strand). VCF-style: chr16-89284665-C-G. GRCh37 (hg19) VCF-style: chr16-89351073-C-G.
Other names: c.1877G>C, p.Gly626Ala (NM_001256182.2, NM_001256183.2); short protein forms G626A.
Identifiers: ClinVar variation 1718121 (VCV001718121.5), dbSNP rs2544243371, ClinGen allele CA397163720.